The following is an entry in ClinVar:

NM_000454.5(SOD1):c.131A>G (p.His44Arg)

Gene: SOD1 (superoxide dismutase 1; plus strand). Cytogenetic location: 21q22.11.
Variant type: single nucleotide variant.
Coding change: c.131A>G on transcript NM_000454.5 (MANE Select); coding-DNA position 131, A replaced by G.
Protein change: p.His44Arg; replaces histidine 44 with arginine.
Molecular consequence: missense variant.
Genome position (GRCh38, 1-based): chr21:31,663,848, A>G. VCF-style: chr21-31663848-A-G. GRCh37 (hg19) VCF-style: chr21-33036161-A-G.
Other names: H43R; short protein forms H44R.
Identifiers: ClinVar variation 14756 (VCV000014756.58), dbSNP rs121912435, ClinGen allele CA257319.
Genomic context (GRCh38, chr21:31,663,848, plus strand): 5'-AGGAAAGTAATGGACCAGTGAAGGTGTGGGGAAGCATTAAAGGACTGACTGAAGGCCTGC[A>G]TGGATTCCATGTTCATGAGTTTGGAGATAATACAGCAGGTGGGTGTTGTGCTGTGCTGGT-3'
Protein context (NP_000445.1, residues 34-54): GSIKGLTEGL[His44Arg]GFHVHEFGDN

ClinVar aggregate classification (germline): Pathogenic. Review status: criteria provided, multiple submitters, no conflicts (2 of 4 stars). 9 submissions from 9 submitters: Pathogenic (8). 1 of the submissions does not count toward it. Last evaluated 2026-06-08.

Conditions:
SOD1-related disorder. Also called: SOD1-related condition.
Amyotrophic lateral sclerosis type 10 (ALS10). Also called: TARDBP-Related Amyotrophic Lateral Sclerosis-Frontotemporal Dementia; AMYOTROPHIC LATERAL SCLEROSIS 10 WITH OR WITHOUT FRONTOTEMPORAL DEMENTIA; Amyotrophic lateral sclerosis 10, with or without FTD; AMYOTROPHIC LATERAL SCLEROSIS 10 WITHOUT FRONTOTEMPORAL DEMENTIA AND WITH TDP43 INCLUSIONS; AMYOTROPHIC LATERAL SCLEROSIS 10 WITH OR WITHOUT FRONTOTEMPORAL DEMENTIA AND WITH TDP43 INCLUSIONS. Identifiers: Orphanet 275872, Orphanet 803, MedGen C2677565, MONDO:0012790, OMIM 612069.
Amyotrophic lateral sclerosis type 1 (ALS1). Also called: AMYOTROPHIC LATERAL SCLEROSIS 1, FAMILIAL. Identifiers: Orphanet 803, MedGen C1862939, MONDO:0007103, OMIM 105400.

Allele frequency attached by ClinVar (database versions not stated): gnomAD exomes below 0.00001.
gnomAD v4.1: 1 of 1,613,714 alleles (0.000062%); highest among the groups gnomAD compares: Non-Finnish European, 0.000085%; no homozygotes.

Submissions (9):

PreventionGenetics, part of Exact Sciences
Classification: Pathogenic for SOD1-related condition. Last evaluated: 2026-06-08. Review status: criteria provided, single submitter. Criteria: ACMG Guidelines, 2015. Collection method: clinical testing. Allele origin: germline.
Comment: The SOD1 c.131A>G variant is predicted to result in the amino acid substitution p.His44Arg. This variant has been reported to be causative for amyotrophic lateral sclerosis (Deng et al. 1993. PubMed ID: 8351519; Rosen et al. 1993. PubMed ID: 8446170; Wei et al. 2017. PubMed ID: 28291249). This variant is reported in 0.00088% of alleles in individuals of European (non-Finnish) descent in gnomAD and has been consistently interpreted as pathogenic in the ClinVar database by other laboratories (Variation ID: 14756). This variant is interpreted as pathogenic.

3billion
Classification: Pathogenic for Amyotrophic lateral sclerosis type 1. Last evaluated: 2025-09-02. Review status: criteria provided, single submitter. Criteria: ACMG Guidelines, 2015. Collection method: clinical testing. Allele origin: germline. Affected: yes.
Comment: The variant is observed at an extremely low frequency in the gnomAD v4.1.0 dataset (total allele frequency: <0.001%). Predicted Consequence/Location: Missense variant Functional studies provide moderate evidence of the variant having a damaging effect on the gene or gene product (PMID: 21257910, 23280792, 8351519). In silico tool predictions suggest damaging effect of the variant on gene or gene product [REVEL: 0.91 (>=0.6, sensitivity 0.68 and specificity 0.92); 3Cnet: 0.99 (> 0.75, sensitivity 0.96 and precision 0.92)]. The same nucleotide change resulting in the same amino acid change has been previously reported as pathogenic/likely pathogenic with strong evidence (ClinVar ID: VCV000014756 /PMID: 8446170). The variant has been observed in multiple (>3) similarly affected unrelated individuals (PMID: 28291249, 8351519, 9008494, 9029070). Therefore, this variant is classified as Pathogenic according to the recommendation of ACMG/AMP guideline.

Labcorp Genetics (formerly Invitae), Labcorp
Classification: Pathogenic for Amyotrophic lateral sclerosis type 1. Last evaluated: 2025-08-11. Review status: criteria provided, single submitter. Criteria: Invitae Variant Classification Sherloc (09022015). Collection method: clinical testing. Allele origin: germline.
Comment: This sequence change replaces histidine, which is basic and polar, with arginine, which is basic and polar, at codon 44 of the SOD1 protein (p.His44Arg). This variant is present in population databases (rs121912435, gnomAD 0.0009%). This missense change has been observed in individuals with autosomal dominant amyotrophic lateral sclerosis (PMID: 8351519, 8446170, 9008494, 9029070, 14506936, 14658402, 22292843, 28105640, 28291249). This variant is also known as p.His43Arg. ClinVar contains an entry for this variant (Variation ID: 14756). Invitae Evidence Modeling of protein sequence and biophysical properties (such as structural, functional, and spatial information, amino acid conservation, physicochemical variation, residue mobility, and thermodynamic stability) indicates that this missense variant is expected to disrupt SOD1 protein function with a positive predictive value of 95%. Experimental studies have shown that this missense change affects SOD1 function (PMID: 7891072, 8351519, 19483195, 21257910, 23280792). For these reasons, this variant has been classified as Pathogenic.

Human Genome Lab, NIMHANS, National Institute of Mental Health and Neuro Sciences
Classification: Pathogenic for Amyotrophic lateral sclerosis type 1. Last evaluated: 2025-04-17. Review status: criteria provided, single submitter. Criteria: ACMG Guidelines, 2015. Collection method: clinical testing. Allele origin: germline. Inheritance: Autosomal dominant inheritance. Affected: yes. Observed: 1 heterozygote.
Comment: The SOD1 gene encodes superoxide dismutase-1, a cytoplasmic antioxidant enzyme that metabolizes superoxide radicals to molecular oxygen and hydrogen peroxide, thus providing a defense against oxygen toxicity. The genomic variant c.131A>G, resulting in the amino acid substitution p.His44Arg (historically referred to as H43R), is located on the SOD1 gene and is cataloged in the dbSNP database with the identifier rs121912435. This variant has been implicated in the pathogenesis of Amyotrophic Lateral Sclerosis (ALS), a neurodegenerative disorder characterized by the progressive loss of motor neurons.

CeGaT Center for Human Genetics Tuebingen
Classification: Pathogenic. Last evaluated: 2024-10-01. Review status: criteria provided, single submitter. Criteria: CeGaT Center For Human Genetics Tuebingen Variant Classification Criteria Version 2. Collection method: clinical testing. Allele origin: germline. Affected: yes. Observed: 2 variant alleles.
Comment: SOD1: PS3, PM1, PM2, PS4:Moderate, PP2

Athena Diagnostics
Classification: Pathogenic. Last evaluated: 2023-09-27. Review status: criteria provided, single submitter. Criteria: Athena Diagnostics Criteria. Collection method: clinical testing. Allele origin: unknown.
Comment: The frequency of this variant in the general population is consistent with pathogenicity. (Genome Aggregation Database (gnomAD), Cambridge, MA (URL)) This variant has been identified in multiple unrelated individuals with autosomal dominant ALS. In some published literature, this variant is referred to as p.His43Arg. Assessment of experimental evidence suggests this variant results in abnormal protein function. (PMID: 7891072, 15634772, 19483195)

Human Genetics Bochum, Ruhr University Bochum
Classification: Pathogenic for Amyotrophic lateral sclerosis type 10. Last evaluated: 2022-08-05. Review status: criteria provided, single submitter. Criteria: ACMG Guidelines, 2015. Collection method: clinical testing. Allele origin: germline. Affected: yes.
Comment: ACMG criteria used to clasify this variant: PS3, PM2, PS4, PP3

Revvity Omics, Revvity
Classification: Pathogenic. Last evaluated: 2021-10-18. Review status: criteria provided, single submitter. Criteria: ACMG Guidelines, 2015. Collection method: clinical testing. Allele origin: germline.

OMIM
Classification: Pathogenic for AMYOTROPHIC LATERAL SCLEROSIS 1. Last evaluated: 1995-04-01. Review status: no assertion criteria provided. Collection method: literature only. Allele origin: germline. Not counted in ClinVar's aggregate classification.

Literature cited by the submitters: PubMed 21257910 (cited by 3 submitters); PubMed 9029070 (cited by 3billion and Labcorp Genetics (formerly Invitae), Labcorp); PubMed 8351519 (cited by 3 submitters); PubMed 8446170 (cited by 4 submitters); PubMed 9008494 (cited by 3 submitters); PubMed 28291249 (cited by 3 submitters); PubMed 23280792 (cited by 3 submitters); PubMed 14506936 (cited by Labcorp Genetics (formerly Invitae), Labcorp and Athena Diagnostics); PubMed 14658402 (cited by Labcorp Genetics (formerly Invitae), Labcorp); PubMed 22292843 (cited by Labcorp Genetics (formerly Invitae), Labcorp and Athena Diagnostics); PubMed 28105640 (cited by Labcorp Genetics (formerly Invitae), Labcorp and Athena Diagnostics); PubMed 7891072 (cited by 3 submitters); PubMed 19483195 (cited by Labcorp Genetics (formerly Invitae), Labcorp and Athena Diagnostics); PubMed 22332887 (cited by Athena Diagnostics); PubMed 26362407 (cited by Athena Diagnostics); PubMed 26791423 (cited by Athena Diagnostics); PubMed 15634772 (cited by Athena Diagnostics); PubMed 20184515 (cited by Athena Diagnostics); PubMed 21901496 (cited by Athena Diagnostics); PubMed 21700707 (cited by Athena Diagnostics); PubMed 17319283 (cited by Athena Diagnostics); PubMed 20079423 (cited by Athena Diagnostics); PubMed 21506602 (cited by Athena Diagnostics); PubMed 37223130 (cited by Athena Diagnostics); PubMed 29650794 (cited by Athena Diagnostics).